The following is an entry in ClinVar:

ClinVar aggregate classification (germline): Uncertain significance. Review status: criteria provided, multiple submitters, no conflicts (2 of 4 stars). 2 submissions from 2 submitters: Uncertain significance (2). Last evaluated 2024-12-15.

Allele frequency attached by ClinVar (database versions not stated): gnomAD 0.00001; gnomAD exomes below 0.00001; ExAC 0.00001; TOPMed 0.00002.
gnomAD v4.1: 5 of 1,613,908 alleles (0.00031%); highest among the groups gnomAD compares: African/African-American, 0.0067%; no homozygotes.

Submissions (2):

Labcorp Genetics (formerly Invitae), Labcorp
Classification: Uncertain significance. Last evaluated: 2024-12-15. Review status: criteria provided, single submitter. Criteria: Invitae Variant Classification Sherloc (09022015). Collection method: clinical testing. Allele origin: germline.
Comment: This sequence change replaces glutamic acid, which is acidic and polar, with aspartic acid, which is acidic and polar, at codon 250 of the NFIA protein (p.Glu250Asp). This variant is present in population databases (rs751098652, gnomAD 0.008%). This variant has not been reported in the literature in individuals affected with NFIA-related conditions. ClinVar contains an entry for this variant (Variation ID: 1706372). An algorithm developed to predict the effect of missense changes on protein structure and function (PolyPhen-2) suggests that this variant is likely to be tolerated. In summary, the available evidence is currently insufficient to determine the role of this variant in disease. Therefore, it has been classified as a Variant of Uncertain Significance.

GeneDx
Classification: Uncertain significance. Last evaluated: 2022-03-18. Review status: criteria provided, single submitter. Criteria: GeneDx Variant Classification Process June 2021. Collection method: clinical testing. Allele origin: germline. Affected: yes.
Comment: Has not been previously published as pathogenic or benign to our knowledge; In silico analysis supports that this missense variant does not alter protein structure/function

NM_001134673.4(NFIA):c.750A>C (p.Glu250Asp)

Gene: NFIA (nuclear factor I A; plus strand). Cytogenetic location: 1p31.3.
Variant type: single nucleotide variant.
Coding change: c.750A>C on transcript NM_001134673.4 (MANE Select); coding-DNA position 750, A replaced by C.
Protein change: p.Glu250Asp; replaces glutamic acid 250 with aspartic acid.
Molecular consequence: missense variant.
Genome position (GRCh38, 1-based): chr1:61,352,499, A>C. VCF-style: chr1-61352499-A-C. GRCh37 (hg19) VCF-style: chr1-61818171-A-C.
Other names: c.726A>C, p.Glu242Asp (NM_001145511.2); c.885A>C, p.Glu295Asp (NM_001145512.2); c.750A>C, p.Glu250Asp (NM_005595.5); short protein forms E242D, E250D, E295D.
Identifiers: ClinVar variation 1706372 (VCV001706372.4), dbSNP rs751098652, ClinGen allele CA881037.
Genomic context (GRCh38, chr1:61,352,499, plus strand): 5'-CTTAATTCTAGCACCAATAGCTGCAGGAACTGGCCCAAATTTTTCTCTCTCAGATTTGGA[A>C]AGTTCTTCATACTACAGCATGAGTCCAGGAGCAATGAGGAGGTCTTTACCCAGCACATCC-3'
Protein context (NP_001128145.1, residues 240-260): TGPNFSLSDL[Glu250Asp]SSSYYSMSPG